The following is an entry in ClinVar:

ClinVar aggregate classification (germline): Benign. Review status: criteria provided, multiple submitters, no conflicts (2 of 4 stars). 2 submissions from 2 submitters: Benign (2). Last evaluated 2018-01-12.

Conditions:
Autoimmune lymphoproliferative syndrome type 1. Also called: AUTOIMMUNE LYMPHOPROLIFERATIVE SYNDROME, TYPE I, AUTOSOMAL DOMINANT. Identifiers: Orphanet 3261, MedGen C2717884, MONDO:0011158, OMIM 601859.

Allele frequency attached by ClinVar (database versions not stated): 1000 Genomes Project 30x 0.03217; ExAC 0.04080; gnomAD 0.06845 and 0.07031; 1000 Genomes Project 0.03075; TOPMed 0.06782; gnomAD exomes 0.06587.
gnomAD v4.1: 40,235 of 532,728 alleles (7.6%); highest among the groups gnomAD compares: Non-Finnish European, 11%; 2,086 homozygotes.

Submissions (2):

Illumina Laboratory Services, Illumina
Classification: Benign for Autoimmune lymphoproliferative syndrome type 1. Last evaluated: 2018-01-12. Review status: criteria provided, single submitter. Criteria: ICSL Variant Classification Criteria 13 December 2019. Collection method: clinical testing. Allele origin: germline.
Comment: This variant was observed in the ICSL laboratory as part of a predisposition screen in an ostensibly healthy population. It had not been previously curated by ICSL or reported in the Human Gene Mutation Database (HGMD: prior to June 1st, 2018), and was therefore a candidate for classification through an automated scoring system. Utilizing variant allele frequency, disease prevalence and penetrance estimates, and inheritance mode, an automated score was calculated to assess if this variant is too frequent to cause the disease. Based on the score and internal cut-off values, a variant classified as benign is not then subjected to further curation. The score for this variant resulted in a classification of benign for this disease.

Breakthrough Genomics
Classification: Benign. Review status: criteria provided, single submitter. Criteria: ACMG Guidelines, 2015. Collection method: not provided. Allele origin: germline. Inheritance: Autosomal dominant inheritance. Affected: yes.

NM_000043.6(FAS):c.*565A>T

Gene: FAS (Fas cell surface death receptor; plus strand). Cytogenetic location: 10q23.31.
Variant type: single nucleotide variant.
Coding change: c.*565A>T on transcript NM_000043.6 (MANE Select); 565 bases downstream of the stop codon, A replaced by T.
Molecular consequence: 3 prime UTR variant. On other transcripts: non-coding transcript variant (7).
Genome position (GRCh38, 1-based): chr10:89,015,015, A>T. VCF-style: chr10-89015015-A-T. GRCh37 (hg19) VCF-style: chr10-90774772-A-T.
Other names: c.*896A>T (NM_001320619.2); c.*565A>T (NM_152871.4); c.*885A>T (NM_152872.4).
Identifiers: ClinVar variation 301537 (VCV000301537.6), dbSNP rs1051070, ClinGen allele CA5593275.